The following is an entry in ClinVar:

ClinVar aggregate classification (germline): Uncertain significance (1 of 4 stars; one submission).

Allele frequency attached by ClinVar (database versions not stated): ExAC 0.00002; gnomAD 0.00002; TOPMed 0.00002; ESP Exome Variant Server 0.00008.

Submission:

Labcorp Genetics (formerly Invitae), Labcorp
Classification: Uncertain significance. Last evaluated: 2025-12-24. Review status: criteria provided, single submitter. Criteria: Invitae Variant Classification Sherloc (09022015). Collection method: clinical testing. Allele origin: germline.
Comment: This sequence change replaces proline, which is neutral and non-polar, with serine, which is neutral and polar, at codon 557 of the DCHS1 protein (p.Pro557Ser). This variant is present in population databases (rs377088444, gnomAD 0.007%). This missense change has been observed in individual(s) with arrhythmogenic cardiomyopathy (PMID: 30453078). ClinVar contains an entry for this variant (Variation ID: 1425873). Invitae Evidence Modeling of protein sequence and biophysical properties (such as structural, functional, and spatial information, amino acid conservation, physicochemical variation, residue mobility, and thermodynamic stability) indicates that this missense variant is not expected to disrupt DCHS1 protein function with a negative predictive value of 80%. In summary, the available evidence is currently insufficient to determine the role of this variant in disease. Therefore, it has been classified as a Variant of Uncertain Significance.

Literature cited by the submitters: PubMed 30453078.

NM_003737.4(DCHS1):c.1669C>T (p.Pro557Ser)

Gene: DCHS1 (dachsous cadherin-related 1; minus strand). Cytogenetic location: 11p15.4.
Variant type: single nucleotide variant.
Coding change: c.1669C>T on transcript NM_003737.4 (MANE Select); coding-DNA position 1669, C replaced by T.
Protein change: p.Pro557Ser; replaces proline 557 with serine.
Molecular consequence: missense variant.
Genome position (GRCh38, 1-based): chr11:6,639,945, G>A on the plus strand (C>T on the coding strand, the complement: DCHS1 is on the minus strand). VCF-style: chr11-6639945-G-A. GRCh37 (hg19) VCF-style: chr11-6661176-G-A.
Other names: short protein forms P557S.
Identifiers: ClinVar variation 1425873 (VCV001425873.9), dbSNP rs377088444, ClinGen allele CA5860917.